The following is an entry in ClinVar:

NM_015136.3(STAB1):c.5935T>G (p.Cys1979Gly)

Gene: STAB1 (stabilin 1; plus strand). Cytogenetic location: 3p21.1.
Variant type: single nucleotide variant.
Coding change: c.5935T>G on transcript NM_015136.3 (MANE Select); coding-DNA position 5935, T replaced by G.
Protein change: p.Cys1979Gly; replaces cysteine 1979 with glycine.
Molecular consequence: missense variant.
Genome position (GRCh38, 1-based): chr3:52,521,387, T>G. VCF-style: chr3-52521387-T-G. GRCh37 (hg19) VCF-style: chr3-52555403-T-G.
Other names: short protein forms C1979G.
Identifiers: ClinVar variation 4534705 (VCV004534705.6).

ClinVar aggregate classification (germline): Uncertain significance (1 of 4 stars; one submission).

gnomAD v4.1: 1 of 1,613,922 alleles (0.000062%); no homozygotes.

Submission:

CeGaT Center for Human Genetics Tuebingen
Classification: Uncertain significance. Last evaluated: 2025-11-01. Review status: criteria provided, single submitter. Criteria: CeGaT Center For Human Genetics Tuebingen Variant Classification Criteria Version 2. Collection method: clinical testing. Allele origin: germline. Affected: yes. Observed: 1 variant allele.
Comment: STAB1: PM2